The following is an entry in ClinVar:

ClinVar aggregate classification (germline): Likely benign (1 of 4 stars; one submission).

Allele frequency attached by ClinVar (database versions not stated): 1000 Genomes Project 0.00060; 1000 Genomes Project 30x 0.00094; ESP Exome Variant Server 0.00137; gnomAD 0.00203; TOPMed 0.00205; ExAC 0.00221; gnomAD exomes 0.00252.
gnomAD v4.1: 3,779 of 1,532,310 alleles (0.25%); highest among the groups gnomAD compares: Non-Finnish European, 0.27%; 4 homozygotes.

Submission:

CeGaT Center for Human Genetics Tuebingen
Classification: Likely benign. Last evaluated: 2022-12-01. Review status: criteria provided, single submitter. Criteria: CeGaT Center For Human Genetics Tuebingen Variant Classification Criteria Version 2. Collection method: clinical testing. Allele origin: germline. Affected: yes. Observed: 1 variant allele.
Comment: TMBIM4: BP4, BP7

NM_016056.4(TMBIM4):c.99C>T (p.Ala33=)

Gene: TMBIM4 (transmembrane BAX inhibitor motif containing 4; minus strand). Cytogenetic location: 12q14.3.
Variant type: single nucleotide variant.
Coding change: c.99C>T on transcript NM_016056.4 (MANE Select); coding-DNA position 99, C replaced by T.
Protein change: p.Ala33=; no amino-acid change (alanine 33 retained).
Molecular consequence: synonymous variant. On other transcripts: intron variant (1).
Genome position (GRCh38, 1-based): chr12:66,153,447, G>A on the plus strand (C>T on the coding strand, the complement: TMBIM4 is on the minus strand). VCF-style: chr12-66153447-G-A. GRCh37 (hg19) VCF-style: chr12-66547227-G-A.
Other names: c.240C>T, p.Thr80= (NM_001282606.2); c.99C>T, p.Ala33= (NM_001282609.2); c.43-37C>T (NM_001282610.2).
Identifiers: ClinVar variation 2643165 (VCV002643165.24), dbSNP rs184358735, ClinGen allele CA6672445.